The following is an entry in ClinVar:

ClinVar aggregate classification (germline): Conflicting classifications of pathogenicity. Review status: criteria provided, conflicting classifications (1 of 4 stars). 6 submissions from 5 submitters: Uncertain significance (2); Benign (1); Likely benign (3). Last evaluated 2026-01-05.

Conditions:
Autoinflammatory syndrome. Identifiers: Orphanet 93665, MedGen C3890737, MONDO:0019751.
Blau syndrome (BLAUS). Also called: GRANULOMATOSIS, FAMILIAL JUVENILE SYSTEMIC; GRANULOMATOSIS, FAMILIAL, BLAU TYPE; GRANULOMATOUS INFLAMMATORY ARTHRITIS, DERMATITIS, AND UVEITIS, FAMILIAL; JABS SYNDROME; ARTHROCUTANEOUVEAL GRANULOMATOSIS. Identifiers: Orphanet 90340, MedGen C5201146, MONDO:0008523, OMIM 186580.
Regional enteritis. Also called: Enteritis, Granulomatous. Identifiers: MedGen C0678202, MeSH D003424.
Inflammatory bowel disease 1 (IBD1). Also called: INFLAMMATORY BOWEL DISEASE (CROHN DISEASE) 1; Inflammatory bowel disease 1, Crohn disease. Identifiers: MedGen CN260071, MONDO:0009960, OMIM 266600.

Allele frequency attached by ClinVar (database versions not stated): gnomAD 0.00005 and 0.00006; TOPMed 0.00007; gnomAD exomes 0.00010; ExAC 0.00014; 1000 Genomes Project 30x 0.00016; 1000 Genomes Project 0.00020.
gnomAD v4.1: 125 of 1,612,356 alleles (0.0078%); highest among the groups gnomAD compares: Middle Eastern, 0.066%; no homozygotes.

Submissions (6):

Labcorp Genetics (formerly Invitae), Labcorp
Classification: Likely benign for Regional enteritis; Blau syndrome. Last evaluated: 2026-01-05. Review status: criteria provided, single submitter. Criteria: Invitae Variant Classification Sherloc (09022015). Collection method: clinical testing. Allele origin: germline.

Blueprint Genetics
Classification: Likely benign. Last evaluated: 2024-11-01. Review status: criteria provided, single submitter. Criteria: ACMG Guidelines, 2015. Collection method: clinical testing. Allele origin: germline.

ARUP Laboratories, Molecular Genetics and Genomics, ARUP Laboratories
Classification: Uncertain significance. Last evaluated: 2022-01-26. Review status: criteria provided, single submitter. Criteria: ARUP Molecular Germline Variant Investigation Process 2021. Collection method: clinical testing. Allele origin: germline.
Comment: The NOD2 c.484G>A; p.Val162Ile variant (rs139571975), to our knowledge, is not reported in the medical literature but is reported in ClinVar (Variation ID: 319427). This variant is found in the general population with an overall allele frequency of 0.010% (29/281056 alleles) in the Genome Aggregation Database. The valine at codon 162 is weakly conserved, and computational analyses predict that this variant is neutral (REVEL: 0.050). Due to limited information, the clinical significance of this variant is uncertain at this time.

Genome Diagnostics Laboratory, The Hospital for Sick Children
Classification: Likely benign for Autoinflammatory syndrome. Last evaluated: 2021-06-11. Review status: criteria provided, single submitter. Criteria: ACMG Guidelines, 2015. Collection method: clinical testing. Allele origin: germline. Affected: yes.

Illumina Laboratory Services, Illumina
Classification: Uncertain significance for Inflammatory bowel disease 1. Last evaluated: 2018-01-12. Review status: criteria provided, single submitter. Criteria: ICSL Variant Classification Criteria 13 December 2019. Collection method: clinical testing. Allele origin: germline.

Illumina Laboratory Services, Illumina
Classification: Benign for Blau syndrome. Last evaluated: 2018-01-12. Review status: criteria provided, single submitter. Criteria: ICSL Variant Classification Criteria 13 December 2019. Collection method: clinical testing. Allele origin: germline.
Comment: This variant was observed in the ICSL laboratory as part of a predisposition screen in an ostensibly healthy population. It had not been previously curated by ICSL or reported in the Human Gene Mutation Database (HGMD: prior to June 1st, 2018), and was therefore a candidate for classification through an automated scoring system. Utilizing variant allele frequency, disease prevalence and penetrance estimates, and inheritance mode, an automated score was calculated to assess if this variant is too frequent to cause the disease. Based on the score and internal cut-off values, a variant classified as benign is not then subjected to further curation. The score for this variant resulted in a classification of benign for this disease.

NM_001370466.1(NOD2):c.403G>A (p.Val135Ile)

Gene: NOD2 (nucleotide binding oligomerization domain containing 2; plus strand). Cytogenetic location: 16q12.1.
Variant type: single nucleotide variant.
Coding change: c.403G>A on transcript NM_001370466.1 (MANE Select); coding-DNA position 403, G replaced by A.
Protein change: p.Val135Ile; replaces valine 135 with isoleucine.
Molecular consequence: missense variant. On other transcripts: non-coding transcript variant (1).
Genome position (GRCh38, 1-based): chr16:50,699,898, G>A. VCF-style: chr16-50699898-G-A. GRCh37 (hg19) VCF-style: chr16-50733809-G-A.
Other names: c.403G>A, p.Val135Ile (NM_001293557.2); c.484G>A, p.Val162Ile (NM_022162.3); c.484G>A (LRG_177t1); short protein forms V162I, V135I.
Identifiers: ClinVar variation 319427 (VCV000319427.27), dbSNP rs139571975, ClinGen allele CA8051288.